The following is an entry in ClinVar:

NM_206933.4(USH2A):c.5956A>G (p.Lys1986Glu)

Gene: USH2A (usherin; minus strand). Cytogenetic location: 1q41.
Variant type: single nucleotide variant.
Coding change: c.5956A>G on transcript NM_206933.4 (MANE Select); coding-DNA position 5956, A replaced by G.
Protein change: p.Lys1986Glu; replaces lysine 1986 with glutamic acid.
Molecular consequence: missense variant.
Genome position (GRCh38, 1-based): chr1:216,070,194, T>C on the plus strand (A>G on the coding strand, the complement: USH2A is on the minus strand). VCF-style: chr1-216070194-T-C. GRCh37 (hg19) VCF-style: chr1-216243536-T-C.
Other names: short protein forms K1986E.
Identifiers: ClinVar variation 2099979 (VCV002099979.4), dbSNP rs2527769777, ClinGen allele CA344862092.

ClinVar aggregate classification (germline): Uncertain significance (1 of 4 stars; one submission).

Submission:

Labcorp Genetics (formerly Invitae), Labcorp
Classification: Uncertain significance. Last evaluated: 2022-02-20. Review status: criteria provided, single submitter. Criteria: Invitae Variant Classification Sherloc (09022015). Collection method: clinical testing. Allele origin: germline.
Comment: This sequence change replaces lysine, which is basic and polar, with glutamic acid, which is acidic and polar, at codon 1986 of the USH2A protein (p.Lys1986Glu). In summary, the available evidence is currently insufficient to determine the role of this variant in disease. Therefore, it has been classified as a Variant of Uncertain Significance. Algorithms developed to predict the effect of missense changes on protein structure and function are either unavailable or do not agree on the potential impact of this missense change (SIFT: "Deleterious"; PolyPhen-2: "Benign"; Align-GVGD: "Class C0"). This variant has not been reported in the literature in individuals affected with USH2A-related conditions. This variant is not present in population databases (gnomAD no frequency).